The following is an entry in ClinVar:

ClinVar aggregate classification (germline): Uncertain significance (1 of 4 stars; one submission).

Conditions:
Familial adenomatous polyposis 1 (FAP1). Also called: FAMILIAL ADENOMATOUS POLYPOSIS 1, ATTENUATED; POLYPOSIS, ADENOMATOUS INTESTINAL. Identifiers: MedGen C2713442, MONDO:0021056, OMIM 175100. Disease mechanism: loss of function.

Submission:

Labcorp Genetics (formerly Invitae), Labcorp
Classification: Uncertain significance for Familial adenomatous polyposis 1. Last evaluated: 2022-12-19. Review status: criteria provided, single submitter. Criteria: Invitae Variant Classification Sherloc (09022015). Collection method: clinical testing. Allele origin: germline.
Comment: In summary, the available evidence is currently insufficient to determine the role of this variant in disease. Therefore, it has been classified as a Variant of Uncertain Significance. Advanced modeling of protein sequence and biophysical properties (such as structural, functional, and spatial information, amino acid conservation, physicochemical variation, residue mobility, and thermodynamic stability) performed at Invitae indicates that this missense variant is not expected to disrupt APC protein function. This variant has not been reported in the literature in individuals affected with APC-related conditions. This variant is not present in population databases (gnomAD no frequency). This sequence change replaces threonine, which is neutral and polar, with lysine, which is basic and polar, at codon 2077 of the APC protein (p.Thr2077Lys).

NM_000038.6(APC):c.6230C>A (p.Thr2077Lys)

Gene: APC (APC regulator of Wnt signaling pathway; plus strand). Cytogenetic location: 5q22.2.
Variant type: single nucleotide variant.
Coding change: c.6230C>A on transcript NM_000038.6 (MANE Select); coding-DNA position 6230, C replaced by A.
Protein change: p.Thr2077Lys; replaces threonine 2077 with lysine.
Molecular consequence: missense variant. On other transcripts: non-coding transcript variant (2).
Genome position (GRCh38, 1-based): chr5:112,841,824, C>A. VCF-style: chr5-112841824-C-A. GRCh37 (hg19) VCF-style: chr5-112177521-C-A.
Other names: c.6230C>A, p.Thr2077Lys (NM_001127510.3, NM_001354895.2, NM_001407450.1); c.6176C>A, p.Thr2059Lys (NM_001127511.3); c.6284C>A, p.Thr2095Lys (NM_001354896.2, NM_001407447.1, NM_001407448.1 and 1 more transcripts); c.6260C>A, p.Thr2087Lys (NM_001354897.2); c.6155C>A, p.Thr2052Lys (NM_001354898.2); c.6146C>A, p.Thr2049Lys (NM_001354899.2); c.6107C>A, p.Thr2036Lys (NM_001354900.2); c.6053C>A, p.Thr2018Lys (NM_001354901.2, NM_001407453.1); and 11 more; short protein forms T1948K, T1951K, T1976K, T2049K, T2059K, T2067K, T2052K, T2070K.
Identifiers: ClinVar variation 2782271 (VCV002782271.3), dbSNP rs755022193, ClinGen allele CA16034977.